The following is an entry in ClinVar:

NM_024529.5(CDC73):c.1066+10T>C

Gene: CDC73 (cell division cycle 73; plus strand). Cytogenetic location: 1q31.2.
Variant type: single nucleotide variant.
Coding change: c.1066+10T>C on transcript NM_024529.5 (MANE Select); 10 bases into the intron after coding-DNA position 1066, T replaced by C.
Molecular consequence: intron variant.
Genome position (GRCh38, 1-based): chr1:193,212,110, T>C. VCF-style: chr1-193212110-T-C. GRCh37 (hg19) VCF-style: chr1-193181240-T-C.
Identifiers: ClinVar variation 462738 (VCV000462738.14), dbSNP rs376113810, ClinGen allele CA1303746.

ClinVar aggregate classification (germline): Likely benign. Review status: criteria provided, single submitter (1 of 4 stars). 2 submissions from 2 submitters: Likely benign (1). 1 of the submissions does not count toward it. Last evaluated 2026-01-16.

Conditions:
CDC73-related disorder. Also called: CDC73-related condition; CDC73-related disorders. Identifiers: MedGen CN169292.
Parathyroid carcinoma (PRTC). Also called: Parathyroid gland carcinoma; CDC73-Related Parathyroid Carcinoma. Identifiers: Orphanet 143, MedGen C0687150, MONDO:0012004, OMIM 608266, HP:0006780.

Allele frequency attached by ClinVar (database versions not stated): gnomAD exomes 0.00003 and 0.00019; gnomAD 0.00008 and 0.00010; TOPMed 0.00008; ExAC 0.00010; ESP Exome Variant Server 0.00015.
gnomAD v4.1: 289 of 1,573,414 alleles (0.018%); highest among the groups gnomAD compares: Non-Finnish European, 0.024%; 1 homozygote.

Submissions (2):

Labcorp Genetics (formerly Invitae), Labcorp
Classification: Likely benign for Parathyroid carcinoma. Last evaluated: 2026-01-16. Review status: criteria provided, single submitter. Criteria: Invitae Variant Classification Sherloc (09022015). Collection method: clinical testing. Allele origin: germline.

PreventionGenetics, part of Exact Sciences
Classification: Likely benign for CDC73-related condition. Last evaluated: 2022-10-19. Review status: no assertion criteria provided. Collection method: clinical testing. Allele origin: germline. Not counted in ClinVar's aggregate classification.
Comment: This variant is classified as likely benign based on ACMG/AMP sequence variant interpretation guidelines (Richards et al. 2015 PMID: 25741868, with internal and published modifications).